The following is an entry in ClinVar:

ClinVar aggregate classification (germline): Uncertain significance (1 of 4 stars; one submission).

Conditions:
ACADL-related disorder. Also called: ACADL-related condition.

Allele frequency attached by ClinVar (database versions not stated): ExAC 0.00003; gnomAD exomes 0.00005; gnomAD 0.00007; TOPMed 0.00009; ESP Exome Variant Server 0.00023.
gnomAD v4.1: 81 of 1,613,866 alleles (0.005%); highest among the groups gnomAD compares: Non-Finnish European, 0.0064%; no homozygotes.

Submission:

PreventionGenetics, part of Exact Sciences
Classification: Uncertain significance for ACADL-related condition. Last evaluated: 2023-07-25. Review status: criteria provided, single submitter. Criteria: ACMG Guidelines, 2015. Collection method: clinical testing. Allele origin: germline.
Comment: The ACADL c.683A>G variant is predicted to result in the amino acid substitution p.His228Arg. To our knowledge, this variant has not been reported in the literature. This variant is reported in 0.0093% of alleles in individuals of European (Non-Finnish) descent in gnomAD. At this time, the clinical significance of this variant is uncertain due to the absence of conclusive functional and genetic evidence.

NM_001608.4(ACADL):c.683A>G (p.His228Arg)

Gene: ACADL (acyl-CoA dehydrogenase long chain; minus strand). Cytogenetic location: 2q34.
Variant type: single nucleotide variant.
Coding change: c.683A>G on transcript NM_001608.4 (MANE Select); coding-DNA position 683, A replaced by G.
Protein change: p.His228Arg; replaces histidine 228 with arginine.
Molecular consequence: missense variant.
Genome position (GRCh38, 1-based): chr2:210,205,717, T>C on the plus strand (A>G on the coding strand, the complement: ACADL is on the minus strand). VCF-style: chr2-210205717-T-C. GRCh37 (hg19) VCF-style: chr2-211070441-T-C.
Other names: short protein forms H228R.
Identifiers: ClinVar variation 2634626 (VCV002634626.1), dbSNP rs144111589, ClinGen allele CA2084944.